The following is an entry in ClinVar:

NM_000426.4(LAMA2):c.4176+5G>T

Gene: LAMA2 (laminin subunit alpha 2; plus strand). Cytogenetic location: 6q22.33.
Variant type: single nucleotide variant.
Coding change: c.4176+5G>T on transcript NM_000426.4 (MANE Select); 5 bases into the intron after coding-DNA position 4176, G replaced by T.
Molecular consequence: intron variant.
Genome position (GRCh38, 1-based): chr6:129,320,660, G>T. VCF-style: chr6-129320660-G-T. GRCh37 (hg19) VCF-style: chr6-129641805-G-T.
Other names: c.4176+5G>T (NM_001079823.2).
Identifiers: ClinVar variation 1913398 (VCV001913398.5), dbSNP rs527681637, ClinGen allele CA1663087249.

ClinVar aggregate classification (germline): Uncertain significance (1 of 4 stars; one submission).

Conditions:
LAMA2-related muscular dystrophy (LAMA2-RD). Also called: Laminin alpha 2-related dystrophy. Identifiers: MedGen C5679788, MONDO:0100228.

gnomAD v4.1: 1 of 1,496,426 alleles (0.000067%); highest among the groups gnomAD compares: Middle Eastern, 0.017%; no homozygotes.

Submission:

Labcorp Genetics (formerly Invitae), Labcorp
Classification: Uncertain significance for LAMA2-related muscular dystrophy. Last evaluated: 2022-08-09. Review status: criteria provided, single submitter. Criteria: Invitae Variant Classification Sherloc (09022015). Collection method: clinical testing. Allele origin: germline.
Comment: This sequence change falls in intron 28 of the LAMA2 gene. It does not directly change the encoded amino acid sequence of the LAMA2 protein. It affects a nucleotide within the consensus splice site. In summary, the available evidence is currently insufficient to determine the role of this variant in disease. Therefore, it has been classified as a Variant of Uncertain Significance. Variants that disrupt the consensus splice site are a relatively common cause of aberrant splicing (PMID: 17576681, 9536098). Algorithms developed to predict the effect of sequence changes on RNA splicing suggest that this variant is not likely to affect RNA splicing. This variant has not been reported in the literature in individuals affected with LAMA2-related conditions. This variant is not present in population databases (gnomAD no frequency).

Literature cited by the submitters: PubMed 17576681; PubMed 9536098.